The following is an entry in ClinVar:

ClinVar aggregate classification (germline): Uncertain significance (1 of 4 stars; one submission).

Conditions:
Walker-Warburg congenital muscular dystrophy. Also called: Muscular dystrophy-dystroglycanopathy, type A; Walker-Warburg syndrome. Identifiers: Orphanet 899, MedGen C0265221, MONDO:0000171.

gnomAD v4.1: 2 of 1,614,156 alleles (0.00012%); highest among the groups gnomAD compares: Non-Finnish European, 0.00017%; no homozygotes.

Submission:

Labcorp Genetics (formerly Invitae), Labcorp
Classification: Uncertain significance for Walker-Warburg congenital muscular dystrophy. Last evaluated: 2021-08-31. Review status: criteria provided, single submitter. Criteria: Invitae Variant Classification Sherloc (09022015). Collection method: clinical testing. Allele origin: germline.
Comment: This sequence change replaces histidine with leucine at codon 172 of the FKTN protein (p.His172Leu). The histidine residue is highly conserved and there is a moderate physicochemical difference between histidine and leucine. This variant is not present in population databases (ExAC no frequency). This missense change has been observed in individual(s) with clinical features of FKTN-related conditions (Invitae). Algorithms developed to predict the effect of missense changes on protein structure and function are either unavailable or do not agree on the potential impact of this missense change (SIFT: "Deleterious"; PolyPhen-2: "Benign"; Align-GVGD: "Class C35"). This variant disrupts the p.His172 amino acid residue in FKTN. Other variant(s) that disrupt this residue have been observed in individuals with FKTN-related conditions (PMID: 15833426, 22275357), which suggests that this may be a clinically significant amino acid residue. In summary, the available evidence is currently insufficient to determine the role of this variant in disease. Therefore, it has been classified as a Variant of Uncertain Significance.

Literature cited by the submitters: PubMed 15833426; PubMed 22275357.

NM_001079802.2(FKTN):c.515A>T (p.His172Leu)

Gene: FKTN (fukutin; plus strand). Cytogenetic location: 9q31.2.
Variant type: single nucleotide variant.
Coding change: c.515A>T on transcript NM_001079802.2 (MANE Select); coding-DNA position 515, A replaced by T.
Protein change: p.His172Leu; replaces histidine 172 with leucine.
Molecular consequence: missense variant. On other transcripts: non-coding transcript variant (2).
Genome position (GRCh38, 1-based): chr9:105,604,360, A>T. VCF-style: chr9-105604360-A-T. GRCh37 (hg19) VCF-style: chr9-108366641-A-T.
Other names: c.515A>T, p.His172Leu (NM_001198963.2, NM_001351496.2, NM_001351498.2 and 1 more transcripts); c.446A>T, p.His149Leu (NM_001351497.2); c.119A>T, p.His40Leu (NM_001351499.2, NM_001351500.2, NM_001351501.2 and 1 more transcripts); short protein forms H149L, H40L, H172L.
Identifiers: ClinVar variation 937313 (VCV000937313.7), dbSNP rs758166890, ClinGen allele CA374332158.